The following is an entry in ClinVar:

ClinVar aggregate classification (germline): Pathogenic (1 of 4 stars; one submission).

Submission:

Labcorp Genetics (formerly Invitae), Labcorp
Classification: Pathogenic. Last evaluated: 2020-11-17. Review status: criteria provided, single submitter. Criteria: Invitae Variant Classification Sherloc (09022015). Collection method: clinical testing. Allele origin: germline.
Comment: This variant has been observed in individual(s) with ABCC8-related conditions (PMID: 15807877). It is also known as Y1354X. For these reasons, this variant has been classified as Pathogenic. This variant is not present in population databases (ExAC no frequency). This sequence change creates a premature translational stop signal (p.Tyr1353*) in the ABCC8 gene. It is expected to result in an absent or disrupted protein product. Loss-of-function variants in ABCC8 are known to be pathogenic (PMID: 20685672, 23345197).

Literature cited by the submitters: PubMed 15807877; PubMed 20685672; PubMed 23345197.

NM_000352.6(ABCC8):c.4059C>A (p.Tyr1353Ter)

Gene: ABCC8 (ATP binding cassette subfamily C member 8; minus strand). Cytogenetic location: 11p15.1.
Variant type: single nucleotide variant.
Coding change: c.4059C>A on transcript NM_000352.6 (MANE Select); coding-DNA position 4059, C replaced by A.
Protein change: p.Tyr1353Ter; replaces tyrosine 1353 with a stop codon.
Molecular consequence: nonsense. On other transcripts: non-coding transcript variant (1).
Genome position (GRCh38, 1-based): chr11:17,396,976, G>T on the plus strand (C>A on the coding strand, the complement: ABCC8 is on the minus strand). VCF-style: chr11-17396976-G-T. GRCh37 (hg19) VCF-style: chr11-17418523-G-T.
Other names: c.4062C>A, p.Tyr1354Ter (NM_001287174.3); c.4125C>A, p.Tyr1375Ter (NM_001351295.2); c.4059C>A, p.Tyr1353Ter (NM_001351296.2); c.4056C>A, p.Tyr1352Ter (NM_001351297.2); short protein forms Y1375*, Y1353*, Y1354*, Y1352*.
Identifiers: ClinVar variation 1454413 (VCV001454413.8), dbSNP rs374602183, ClinGen allele CA379790632.
Genomic context (GRCh38, chr11:17,396,976, plus strand): 5'-CTTCTGTCCAGGGGCGATGAGGGCATTGACGTGCTTCAGCACCGGCTTCAGGGAGCTGTC[G>T]TAGCGCACGCTCAGGTTCTGGATCTGGATCTTCCCTTGGTCTGGCCAGTTCTTTGGGATC-3'